The following is an entry in ClinVar:

NM_001372.4(DNAH9):c.7949C>T (p.Pro2650Leu)

Gene: DNAH9 (dynein axonemal heavy chain 9; plus strand). Cytogenetic location: 17p12.
Variant type: single nucleotide variant.
Coding change: c.7949C>T on transcript NM_001372.4 (MANE Select); coding-DNA position 7949, C replaced by T.
Protein change: p.Pro2650Leu; replaces proline 2650 with leucine.
Molecular consequence: missense variant.
Genome position (GRCh38, 1-based): chr17:11,784,427, C>T. VCF-style: chr17-11784427-C-T. GRCh37 (hg19) VCF-style: chr17-11687744-C-T.
Other names: short protein forms P2650L.
Identifiers: ClinVar variation 2194377 (VCV002194377.2), dbSNP rs192123847, ClinGen allele CA8396784.

ClinVar aggregate classification (germline): Uncertain significance (1 of 4 stars; one submission).

Allele frequency attached by ClinVar (database versions not stated): ESP Exome Variant Server 0.00046; 1000 Genomes Project 30x 0.00047; 1000 Genomes Project 0.00060.
gnomAD v4.1: 536 of 1,614,216 alleles (0.033%); highest among the groups gnomAD compares: Non-Finnish European, 0.043%; no homozygotes.

Submission:

Labcorp Genetics (formerly Invitae), Labcorp
Classification: Uncertain significance. Last evaluated: 2026-01-19. Review status: criteria provided, single submitter. Criteria: Invitae Variant Classification Sherloc (09022015). Collection method: clinical testing. Allele origin: germline.
Comment: This sequence change replaces proline, which is neutral and non-polar, with leucine, which is neutral and non-polar, at codon 2650 of the DNAH9 protein (p.Pro2650Leu). This variant is present in population databases (rs192123847, gnomAD 0.04%). This variant has not been reported in the literature in individuals affected with DNAH9-related conditions. ClinVar contains an entry for this variant (Variation ID: 2194377). Invitae Evidence Modeling of protein sequence and biophysical properties (such as structural, functional, and spatial information, amino acid conservation, physicochemical variation, residue mobility, and thermodynamic stability) indicates that this missense variant is not expected to disrupt DNAH9 protein function with a negative predictive value of 80%. In summary, the available evidence is currently insufficient to determine the role of this variant in disease. Therefore, it has been classified as a Variant of Uncertain Significance.